The following is an entry in ClinVar:

ClinVar aggregate classification (germline): Uncertain significance. Review status: criteria provided, multiple submitters, no conflicts (2 of 4 stars). 2 submissions from 2 submitters: Uncertain significance (2). Last evaluated 2024-11-28.

Conditions:
Type 2 diabetes mellitus. Also called: Type II diabetes mellitus. Identifiers: MedGen C0011860, MeSH D003924, MONDO:0005148, OMIM 125853, HP:0005978.
Hypoinsulinemic hypoglycemia and body hemihypertrophy. Also called: Hypoinsulinemic hypoglycemia and hemihypertrophy. Identifiers: Orphanet 293964, MedGen C3278384, MONDO:0009416, OMIM 240900.

Allele frequency attached by ClinVar (database versions not stated): gnomAD exomes below 0.00001; gnomAD 0.00001; TOPMed 0.00001.
gnomAD v4.1: 5 of 1,613,984 alleles (0.00031%); highest among the groups gnomAD compares: Non-Finnish European, 0.00042%; no homozygotes.

Submissions (2):

Blueprint Genetics
Classification: Uncertain significance. Last evaluated: 2024-11-28. Review status: criteria provided, single submitter. Criteria: ACMG Guidelines, 2015. Collection method: clinical testing. Allele origin: germline.

Labcorp Genetics (formerly Invitae), Labcorp
Classification: Uncertain significance for Hypoinsulinemic hypoglycemia and body hemihypertrophy; Type 2 diabetes mellitus. Last evaluated: 2021-03-08. Review status: criteria provided, single submitter. Criteria: Invitae Variant Classification Sherloc (09022015). Collection method: clinical testing. Allele origin: germline.
Comment: This sequence change replaces glycine with serine at codon 346 of the AKT2 protein (p.Gly346Ser). The glycine residue is highly conserved and there is a small physicochemical difference between glycine and serine. This variant is not present in population databases (ExAC no frequency). This variant has not been reported in the literature in individuals with AKT2-related conditions. Algorithms developed to predict the effect of missense changes on protein structure and function (SIFT, PolyPhen-2, Align-GVGD) all suggest that this variant is likely to be disruptive, but these predictions have not been confirmed by published functional studies and their clinical significance is uncertain. In summary, the available evidence is currently insufficient to determine the role of this variant in disease. Therefore, it has been classified as a Variant of Uncertain Significance.

NM_001626.6(AKT2):c.1036G>A (p.Gly346Ser)

Gene: AKT2 (AKT serine/threonine kinase 2; minus strand). Cytogenetic location: 19q13.2.
Variant type: single nucleotide variant.
Coding change: c.1036G>A on transcript NM_001626.6 (MANE Select); coding-DNA position 1036, G replaced by A.
Protein change: p.Gly346Ser; replaces glycine 346 with serine.
Molecular consequence: missense variant.
Genome position (GRCh38, 1-based): chr19:40,236,029, C>T on the plus strand (G>A on the coding strand, the complement: AKT2 is on the minus strand). VCF-style: chr19-40236029-C-T. GRCh37 (hg19) VCF-style: chr19-40741936-C-T.
Other names: c.850G>A, p.Gly284Ser (NM_001243027.3, NM_001243028.3); c.907G>A, p.Gly303Ser (NM_001330511.1); short protein forms G284S, G303S, G346S.
Identifiers: ClinVar variation 1514945 (VCV001514945.9), dbSNP rs1169786300, ClinGen allele CA405866366.